The following is an entry in ClinVar:

NM_000051.4(ATM):c.6643_6644del (p.Asp2214_Ser2215insTer)

Genes: ATM (ATM serine/threonine kinase; plus strand), C11orf65 (chromosome 11 open reading frame 65; minus strand). Cytogenetic location: 11q22.3.
Variant type: Deletion.
Coding change: c.6643_6644del on transcript NM_000051.4 (MANE Select); coding-DNA positions 6643 to 6644, 2 bases deleted (AG; older notation c.6643_6644delAG).
Protein change: p.Asp2214_Ser2215insTer.
Molecular consequence: nonsense. On other transcripts: intron variant (2).
Genome position (GRCh38, 1-based): chr11:108,325,380-108,325,381, AG deleted. VCF-style (leftmost placement, unchanged base first): chr11-108325379-CAG-C. GRCh37 (hg19) VCF-style: chr11-108196106-CAG-C.
Other names: c.6643_6644del, p.Asp2214_Ser2215insTer (NM_001351834.2); c.641-16310_641-16309del (NM_001330368.2); c.*38+9839_*38+9840del (NM_001351110.2).
Identifiers: ClinVar variation 2025862 (VCV002025862.4), dbSNP rs2547201432, ClinGen allele CA2580083039.
Genomic context (GRCh38, chr11:108,325,379, plus strand): 5'-ACATAGACAACTCTCTGAAGTATATATTAAGTGGCAGAAACACTCCCAGCTTCTCAAGGA[CAG>C]TGATTTTAGTTTTCAGGAGCCTATCATGGCTCTACGCACAGTCATTTTGGAGATCCTGAT-3'

ClinVar aggregate classification (germline): Pathogenic (1 of 4 stars; one submission).

Conditions:
Ataxia-telangiectasia syndrome (AT). Also called: Ataxia-telangiectasia, complementation group D; AT, COMPLEMENTATION GROUP C; ATAXIA-TELANGIECTASIA, COMPLEMENTATION GROUP A; ATAXIA-TELANGIECTASIA, FRESNO VARIANT; Ataxia-telangiectasia, complementation group E; LOUIS-BAR SYNDROME. Identifiers: Orphanet 100, MedGen C0004135, MONDO:0008840, OMIM 208900.

Submission:

Labcorp Genetics (formerly Invitae), Labcorp
Classification: Pathogenic for Ataxia-telangiectasia syndrome. Last evaluated: 2023-06-27. Review status: criteria provided, single submitter. Criteria: Invitae Variant Classification Sherloc (09022015). Collection method: clinical testing. Allele origin: germline.
Comment: For these reasons, this variant has been classified as Pathogenic. ClinVar contains an entry for this variant (Variation ID: 2025862). This variant has not been reported in the literature in individuals affected with ATM-related conditions. This variant is not present in population databases (gnomAD no frequency). This sequence change creates a premature translational stop signal (p.Ser2215*) in the ATM gene. It is expected to result in an absent or disrupted protein product. Loss-of-function variants in ATM are known to be pathogenic (PMID: 23807571, 25614872).

Literature cited by the submitters: PubMed 23807571; PubMed 25614872.